The following is an entry in ClinVar:

ClinVar aggregate classification (germline): Uncertain significance (1 of 4 stars; one submission).

Conditions:
Hereditary cancer-predisposing syndrome. Also called: Neoplastic Syndromes, Hereditary; Tumor predisposition; Hereditary Cancer Syndrome; Hereditary neoplastic syndrome. Identifiers: Orphanet 140162, MedGen C0027672, MeSH D009386, MONDO:0015356.

Submission:

Ambry Genetics
Classification: Uncertain significance for Hereditary cancer-predisposing syndrome. Last evaluated: 2024-10-17. Review status: criteria provided, single submitter. Criteria: Ambry Variant Classification Scheme 2023. Collection method: clinical testing. Allele origin: germline.
Comment: The p.K79R variant (also known as c.236A>G), located in coding exon 2 of the NF2 gene, results from an A to G substitution at nucleotide position 236. The lysine at codon 79 is replaced by arginine, an amino acid with highly similar properties. This amino acid position is conserved. In addition, the in silico prediction for this alteration is inconclusive. Based on the available evidence, the clinical significance of this variant remains unclear.

NM_000268.4(NF2):c.236A>G (p.Lys79Arg)

Gene: NF2 (NF2, moesin-ezrin-radixin like (MERLIN) tumor suppressor; plus strand). Cytogenetic location: 22q12.2.
Variant type: single nucleotide variant.
Coding change: c.236A>G on transcript NM_000268.4 (MANE Select); coding-DNA position 236, A replaced by G.
Protein change: p.Lys79Arg; replaces lysine 79 with arginine.
Molecular consequence: missense variant. On other transcripts: 5 prime UTR variant (2), intron variant (6).
Genome position (GRCh38, 1-based): chr22:29,636,872, A>G. VCF-style: chr22-29636872-A-G. GRCh37 (hg19) VCF-style: chr22-30032861-A-G.
Other names: c.122A>G, p.Lys41Arg (NM_001407053.1, NM_001407056.1); c.236A>G, p.Lys79Arg (NM_001407054.1, NM_001407057.1, NM_001407058.1 and 9 more transcripts); c.-405A>G (NM_001407065.1); c.-21A>G (NM_001407067.1); c.115-2218A>G (NM_181828.3, NM_001407055.1); c.115-5330A>G (NM_001407063.1, NM_181830.3, NM_001407064.1 and 1 more transcripts); short protein forms K41R, K79R.
Identifiers: ClinVar variation 3405019 (VCV003405019.1).
Genomic context (GRCh38, chr22:29,636,872, plus strand): 5'-CCTGGTTCTTTGGACTGCAGTACACAATCAAGGACACAGTGGCCTGGCTCAAAATGGACA[A>G]GAAGGTTGGGCTAGAACTCGATGAAACTGGTGGGGCTGACGTGAGCTTTCCAGTTTTTCC-3'
Protein context (NP_000259.1, residues 69-89): KDTVAWLKMD[Lys79Arg]KVLDHDVSKE